The following is an entry in ClinVar:

NM_001286577.2(C2CD3):c.2752CTG[2] (p.Leu920del)

Gene: C2CD3 (C2 domain containing 3 centriole elongation regulator; minus strand). Cytogenetic location: 11q13.4.
Variant type: Microsatellite.
Coding change: c.2752CTG[2] on transcript NM_001286577.2 (MANE Select); two copies in a row of the 3-base unit CTG starting at c.2752; the reference has three copies in a row; one copy, 3 bases deleted.
Protein change: p.Leu920del; deletes leucine 920.
Genome position (GRCh38, 1-based): chr11:74,098,228-74,098,230, CAG deleted on the plus strand (CTG on the coding strand, the reverse complement: C2CD3 is on the minus strand); deleting any 3 consecutive bases within chr11:74,098,228-74,098,236 gives the same sequence; the position shown is the placement nearest the transcript's 3' end. VCF-style (leftmost placement, unchanged base first): chr11-74098227-CCAG-C. GRCh37 (hg19) VCF-style: chr11-73809272-CCAG-C.
Other names: c.2752CTG[2], p.Leu920del (NM_015531.6); short protein forms L920del.
Identifiers: ClinVar variation 3705702 (VCV003705702.2).

ClinVar aggregate classification (germline): Uncertain significance (1 of 4 stars; one submission).

Submission:

Labcorp Genetics (formerly Invitae), Labcorp
Classification: Uncertain significance. Last evaluated: 2024-04-30. Review status: criteria provided, single submitter. Criteria: Invitae Variant Classification Sherloc (09022015). Collection method: clinical testing. Allele origin: germline.
Comment: This variant, c.2758_2760del, results in the deletion of 1 amino acid(s) of the C2CD3 protein (p.Leu920del), but otherwise preserves the integrity of the reading frame. This variant is not present in population databases (gnomAD no frequency). This variant has not been reported in the literature in individuals affected with C2CD3-related conditions. Experimental studies and prediction algorithms are not available or were not evaluated, and the functional significance of this variant is currently unknown. In summary, the available evidence is currently insufficient to determine the role of this variant in disease. Therefore, it has been classified as a Variant of Uncertain Significance.